The following is an entry in ClinVar:

ClinVar aggregate classification (germline): Likely pathogenic. Review status: criteria provided, single submitter (1 of 4 stars). 2 submissions from 2 submitters: Likely pathogenic (1). 1 of the submissions does not count toward it. Last evaluated 2025-06-18.

Conditions:
Glycogen storage disease, type II (IOPD). Also called: CARDIOMEGALIA GLYCOGENICA DIFFUSA; GLYCOGENOSIS, GENERALIZED, CARDIAC FORM; GSD II; Glycogen storage disease type 2; Acid maltase deficiency disease; Aglucosidase alfa. Identifiers: Orphanet 365, MedGen C0017921, MONDO:0009290, OMIM 232300.

gnomAD v4.1: 1 of 1,610,744 alleles (0.000062%); highest among the groups gnomAD compares: South Asian, 0.0011%; no homozygotes.

Submissions (2):

Labcorp Genetics (formerly Invitae), Labcorp
Classification: Likely pathogenic for Glycogen storage disease, type II. Last evaluated: 2025-06-18. Review status: criteria provided, single submitter. Criteria: Invitae Variant Classification Sherloc (09022015). Collection method: clinical testing. Allele origin: germline.
Comment: This sequence change replaces threonine, which is neutral and polar, with isoleucine, which is neutral and non-polar, at codon 653 of the GAA protein (p.Thr653Ile). This variant is not present in population databases (gnomAD no frequency). This variant has not been reported in the literature in individuals affected with GAA-related conditions. Invitae Evidence Modeling of protein sequence and biophysical properties (such as structural, functional, and spatial information, amino acid conservation, physicochemical variation, residue mobility, and thermodynamic stability) indicates that this missense variant is expected to disrupt GAA protein function with a positive predictive value of 95%. This variant disrupts the p.Thr653 amino acid residue in GAA. Other variant(s) that disrupt this residue have been determined to be pathogenic (PMID: 21232767, 24513544). This suggests that this residue is clinically significant, and that variants that disrupt this residue are likely to be disease-causing. In summary, the currently available evidence indicates that the variant is pathogenic, but additional data are needed to prove that conclusively. Therefore, this variant has been classified as Likely Pathogenic.

Natera, Inc.
Classification: Uncertain significance for Glycogen storage disease type II. Last evaluated: 2025-03-10. Review status: no assertion criteria provided. Collection method: clinical testing. Allele origin: germline. Not counted in ClinVar's aggregate classification.

Literature cited by the submitters: PubMed 21232767 (cited by Labcorp Genetics (formerly Invitae), Labcorp); PubMed 24513544 (cited by Labcorp Genetics (formerly Invitae), Labcorp).

NM_000152.5(GAA):c.1958C>T (p.Thr653Ile)

Gene: GAA (alpha glucosidase; plus strand). Cytogenetic location: 17q25.3.
Variant type: single nucleotide variant.
Coding change: c.1958C>T on transcript NM_000152.5 (MANE Select); coding-DNA position 1958, C replaced by T.
Protein change: p.Thr653Ile; replaces threonine 653 with isoleucine.
Molecular consequence: missense variant.
Genome position (GRCh38, 1-based): chr17:80,112,945, C>T. VCF-style: chr17-80112945-C-T. GRCh37 (hg19) VCF-style: chr17-78086744-C-T.
Other names: c.1958C>T, p.Thr653Ile (NM_001079803.3, NM_001079804.3, NM_001406741.1 and 1 more transcripts); short protein forms T653I.
Identifiers: ClinVar variation 4068168 (VCV004068168.2).